The following is an entry in ClinVar:

ClinVar aggregate classification (germline): Uncertain significance. Review status: criteria provided, multiple submitters, no conflicts (2 of 4 stars). 2 submissions from 2 submitters: Uncertain significance (2). Last evaluated 2022-08-28.

Submissions (2):

Labcorp Genetics (formerly Invitae), Labcorp
Classification: Uncertain significance. Last evaluated: 2022-08-28. Review status: criteria provided, single submitter. Criteria: Invitae Variant Classification Sherloc (09022015). Collection method: clinical testing. Allele origin: germline.
Comment: In summary, the available evidence is currently insufficient to determine the role of this variant in disease. Therefore, it has been classified as a Variant of Uncertain Significance. Algorithms developed to predict the effect of missense changes on protein structure and function (SIFT, PolyPhen-2, Align-GVGD) all suggest that this variant is likely to be disruptive. ClinVar contains an entry for this variant (Variation ID: 444408). This variant has not been reported in the literature in individuals affected with ITGB3-related conditions. This variant is not present in population databases (gnomAD no frequency). This sequence change replaces tryptophan, which is neutral and slightly polar, with arginine, which is basic and polar, at codon 741 of the ITGB3 protein (p.Trp741Arg).

CeGaT Center for Human Genetics Tuebingen
Classification: Uncertain significance. Last evaluated: 2017-04-01. Review status: criteria provided, single submitter. Criteria: CeGaT Center For Human Genetics Tuebingen Variant Classification Criteria Version 2. Collection method: clinical testing. Allele origin: germline. Affected: yes. Observed: 1 variant allele.

NM_000212.3(ITGB3):c.2221T>C (p.Trp741Arg)

Genes: EFCAB13-DT (EFCAB13 divergent transcript; minus strand), ITGB3 (integrin subunit beta 3; plus strand). Cytogenetic location: 17q21.32.
Variant type: single nucleotide variant.
Coding change: c.2221T>C on transcript NM_000212.3 (MANE Select); coding-DNA position 2221, T replaced by C.
Protein change: p.Trp741Arg; replaces tryptophan 741 with arginine.
Molecular consequence: missense variant.
Genome position (GRCh38, 1-based): chr17:47,307,557, T>C. VCF-style: chr17-47307557-T-C. GRCh37 (hg19) VCF-style: chr17-45384923-T-C.
Other names: short protein forms W741R.
Identifiers: ClinVar variation 444408 (VCV000444408.48), dbSNP rs1555573923, ClinGen allele CA400034183.
Genomic context (GRCh38, chr17:47,307,557, plus strand): 5'-GTGGTCCTGCTCTCAGTGATGGGGGCCATTCTGCTCATTGGCCTTGCCGCCCTGCTCATC[T>C]GGAAACTCCTCATCACCATCCACGACCGAAAAGAATTCGCTAAATTTGAGGAAGAACGCG-3'
Protein context (NP_000203.2, residues 731-751): LLIGLAALLI[Trp741Arg]KLLITIHDRK